The following is an entry in ClinVar:

ClinVar aggregate classification (germline): Uncertain significance (1 of 4 stars; one submission).

Conditions:
Inborn genetic diseases. Identifiers: MedGen C0950123, MeSH D030342.

Allele frequency attached by ClinVar (database versions not stated): gnomAD exomes 0.00001.
gnomAD v4.1: 3 of 1,611,228 alleles (0.00019%); highest among the groups gnomAD compares: Admixed American, 0.005%; no homozygotes.

Submission:

Ambry Genetics
Classification: Uncertain significance for Inborn genetic diseases. Last evaluated: 2024-10-24. Review status: criteria provided, single submitter. Criteria: Ambry Variant Classification Scheme 2023. Collection method: clinical testing. Allele origin: germline.
Comment: The p.A836T variant (also known as c.2506G>A), located in coding exon 20 of the LRRK2 gene, results from a G to A substitution at nucleotide position 2506. The alanine at codon 836 is replaced by threonine, an amino acid with similar properties. This amino acid position is conserved. In addition, this alteration is predicted to be tolerated by in silico analysis. Since supporting evidence is limited at this time, the clinical significance of this alteration remains unclear.

NM_198578.4(LRRK2):c.2506G>A (p.Ala836Thr)

Gene: LRRK2 (leucine rich repeat kinase 2; plus strand). Cytogenetic location: 12q12.
Variant type: single nucleotide variant.
Coding change: c.2506G>A on transcript NM_198578.4 (MANE Select); coding-DNA position 2506, G replaced by A.
Protein change: p.Ala836Thr; replaces alanine 836 with threonine.
Molecular consequence: missense variant.
Genome position (GRCh38, 1-based): chr12:40,287,356, G>A. VCF-style: chr12-40287356-G-A. GRCh37 (hg19) VCF-style: chr12-40681158-G-A.
Other names: short protein forms A836T.
Identifiers: ClinVar variation 1792317 (VCV001792317.3), dbSNP rs1413180856, ClinGen allele CA384408535.